The following is an entry in ClinVar:

ClinVar aggregate classification (germline): Uncertain significance (1 of 4 stars; one submission).

Submission:

Ambry Genetics
Classification: Uncertain significance. Last evaluated: 2026-05-14. Review status: criteria provided, single submitter. Criteria: Ambry Variant Classification Scheme 2023. Collection method: clinical testing. Allele origin: germline.
Comment: The p.Q583H variant (also known as c.1749G>C), located in coding exon 7 of the WNK2 gene, results from a G to C substitution at nucleotide position 1749. The glutamine at codon 583 is replaced by histidine, an amino acid with highly similar properties. This amino acid position is conserved. In addition, this alteration is predicted to be tolerated by in silico analysis. Based on the available evidence, the clinical significance of this variant remains unclear.

NM_006648.4(WNK2):c.1749G>C (p.Gln583His)

Gene: WNK2 (WNK lysine deficient protein kinase 2; plus strand). Cytogenetic location: 9q22.31.
Variant type: single nucleotide variant.
Coding change: c.1749G>C on transcript NM_006648.4 (MANE Select); coding-DNA position 1749, G replaced by C.
Protein change: p.Gln583His; replaces glutamine 583 with histidine.
Molecular consequence: missense variant.
Genome position (GRCh38, 1-based): chr9:93,247,749, G>C. VCF-style: chr9-93247749-G-C. GRCh37 (hg19) VCF-style: chr9-96010031-G-C.
Other names: c.1749G>C, p.Gln583His (NM_001282394.3); short protein forms Q583H.
Identifiers: ClinVar variation 4866653 (VCV004866653.1).
Genomic context (GRCh38, chr9:93,247,749, plus strand): 5'-GGCCAGGGGTCCGCCGGTGCCCCTGCAGGTCCAGGTGACCTACCATGCACAGGCTGGGCA[G>C]CCCGGGCCACCAGAGCCCGAGGAGCCGGAGGCCGACCAGCACCTCCTGCCACCTACGTTG-3'
Protein context (NP_006639.3, residues 573-593): VQVTYHAQAG[Gln583His]PGPPEPEEPE